The following is an entry in ClinVar:

ClinVar aggregate classification (germline): Uncertain significance (1 of 4 stars; one submission).

gnomAD v4.1: 5 of 1,612,786 alleles (0.00031%); highest among the groups gnomAD compares: South Asian, 0.0033%; no homozygotes.

Submission:

Labcorp Genetics (formerly Invitae), Labcorp
Classification: Uncertain significance. Last evaluated: 2025-12-23. Review status: criteria provided, single submitter. Criteria: Invitae Variant Classification Sherloc (09022015). Collection method: clinical testing. Allele origin: germline.
Comment: This sequence change replaces proline, which is neutral and non-polar, with leucine, which is neutral and non-polar, at codon 449 of the TUBB3 protein (p.Pro449Leu). This variant is present in population databases (no rsID available, gnomAD 0.01%). This variant has not been reported in the literature in individuals affected with TUBB3-related conditions. Experimental studies and prediction algorithms are not available or were not evaluated, and the functional significance of this variant is currently unknown. In summary, the available evidence is currently insufficient to determine the role of this variant in disease. Therefore, it has been classified as a Variant of Uncertain Significance.

NM_006086.4(TUBB3):c.1346C>T (p.Pro449Leu)

Gene: TUBB3 (tubulin beta 3 class III; plus strand). Cytogenetic location: 16q24.3.
Variant type: single nucleotide variant.
Coding change: c.1346C>T on transcript NM_006086.4 (MANE Select); coding-DNA position 1346, C replaced by T.
Protein change: p.Pro449Leu; replaces proline 449 with leucine.
Molecular consequence: missense variant.
Genome position (GRCh38, 1-based): chr16:89,935,797, C>T. VCF-style: chr16-89935797-C-T. GRCh37 (hg19) VCF-style: chr16-90002205-C-T.
Other names: c.1130C>T, p.Pro377Leu (NM_001197181.2); short protein forms P377L, P449L.
Identifiers: ClinVar variation 4779781 (VCV004779781.1).